The following is an entry in ClinVar:

NM_000093.5(COL5A1):c.1930C>T (p.His644Tyr)

Gene: COL5A1 (collagen type V alpha 1 chain; plus strand). Cytogenetic location: 9q34.3.
Variant type: single nucleotide variant.
Coding change: c.1930C>T on transcript NM_000093.5 (MANE Select); coding-DNA position 1930, C replaced by T.
Protein change: p.His644Tyr; replaces histidine 644 with tyrosine.
Molecular consequence: missense variant.
Genome position (GRCh38, 1-based): chr9:134,758,291, C>T. VCF-style: chr9-134758291-C-T. GRCh37 (hg19) VCF-style: chr9-137650137-C-T.
Other names: c.1930C>T, p.His644Tyr (NM_001278074.1); short protein forms H644Y.
Identifiers: ClinVar variation 835785 (VCV000835785.11), dbSNP rs1836060732, ClinGen allele CA375445726.

ClinVar aggregate classification (germline): Uncertain significance (1 of 4 stars; one submission).

Conditions:
Ehlers-Danlos syndrome, classic type, 1 (EDSCL1). Also called: Ehlers-Danlos syndrome, type 1; Ehlers-Danlos Syndrome, Classic Type, COL5A1-Related; EDS I; EHLERS-DANLOS SYNDROME, GRAVIS TYPE; EHLERS-DANLOS SYNDROME, SEVERE CLASSIC TYPE. Identifiers: MedGen C0268335, MONDO:0019567, OMIM 130000.

Allele frequency attached by ClinVar (database versions not stated): TOPMed below 0.00001.

Submission:

Labcorp Genetics (formerly Invitae), Labcorp
Classification: Uncertain significance for Ehlers-Danlos syndrome, classic type, 1. Last evaluated: 2022-06-13. Review status: criteria provided, single submitter. Criteria: Invitae Variant Classification Sherloc (09022015). Collection method: clinical testing. Allele origin: germline.
Comment: In summary, the available evidence is currently insufficient to determine the role of this variant in disease. Therefore, it has been classified as a Variant of Uncertain Significance. Advanced modeling of protein sequence and biophysical properties (such as structural, functional, and spatial information, amino acid conservation, physicochemical variation, residue mobility, and thermodynamic stability) performed at Invitae indicates that this missense variant is not expected to disrupt COL5A1 protein function. ClinVar contains an entry for this variant (Variation ID: 835785). This variant has not been reported in the literature in individuals affected with COL5A1-related conditions. This variant is not present in population databases (gnomAD no frequency). This sequence change replaces histidine, which is basic and polar, with tyrosine, which is neutral and polar, at codon 644 of the COL5A1 protein (p.His644Tyr).